The following is an entry in ClinVar:

ClinVar aggregate classification (germline): Uncertain significance. Review status: criteria provided, multiple submitters, no conflicts (2 of 4 stars). 3 submissions from 3 submitters: Uncertain significance (3). Last evaluated 2026-08-06.

Conditions:
Inborn genetic diseases. Identifiers: MedGen C0950123, MeSH D030342.
Mucolipidosis type II. Also called: Mucolipidosis 2; ML 2; Inclusion cell disease; Leroy Disease; N-acetylglucosamine 1phosphotransferase deficiency; ML disorder type 2. Identifiers: Orphanet 576, MedGen C2673377, MONDO:0009650, OMIM 252500.
Pseudo-Hurler polydystrophy. Also called: ML IIIA; Mucolipidosis III Alpha/Beta; MUCOLIPIDOSIS IIIA; ML III; ML III ALPHA/BETA; Type III Mucolipidosis. Identifiers: Orphanet 423461, Orphanet 577, MedGen C0033788, MONDO:0018931, OMIM 252600.

Allele frequency attached by ClinVar (database versions not stated): gnomAD exomes below 0.00001; ExAC 0.00001.
gnomAD v4.1: 1 of 1,614,142 alleles (0.000062%); highest among the groups gnomAD compares: Admixed American, 0.0017%; no homozygotes.

Submissions (3):

OLLIN Analises Genomicas, OLLIN
Classification: Uncertain significance for Mucolipidosis type II. Last evaluated: 2026-08-06. Review status: criteria provided, single submitter. Criteria: ACMG Guidelines 2015 PMID 25741868. Collection method: clinical testing. Allele origin: germline. Inheritance: Autosomal recessive inheritance.
Comment: This missense variant, located in exon 10 (of 21), has been reported in ClinVar (accession VCV001370319.4) and in gnomAD with an allele frequency of 0.000062%. However, to our knowledge, it has not been reported in the scientific literature. In silico analysis predicts that this variant has a deleterious effect. According to the currently available evidence, this variant has been classified as uncertain significance (PM2_P, PP3_S).

Labcorp Genetics (formerly Invitae), Labcorp
Classification: Uncertain significance for Pseudo-Hurler polydystrophy; Mucolipidosis type II. Last evaluated: 2021-10-11. Review status: criteria provided, single submitter. Criteria: Invitae Variant Classification Sherloc (09022015). Collection method: clinical testing. Allele origin: germline.
Comment: This sequence change replaces aspartic acid with asparagine at codon 407 of the GNPTAB protein (p.Asp407Asn). The aspartic acid residue is highly conserved and there is a small physicochemical difference between aspartic acid and asparagine. This variant is present in population databases (rs776478014, ExAC 0.009%). This variant has not been reported in the literature in individuals affected with GNPTAB-related conditions. Advanced modeling of protein sequence and biophysical properties (such as structural, functional, and spatial information, amino acid conservation, physicochemical variation, residue mobility, and thermodynamic stability) performed at Invitae indicates that this missense variant is expected to disrupt GNPTAB protein function. In summary, the available evidence is currently insufficient to determine the role of this variant in disease. Therefore, it has been classified as a Variant of Uncertain Significance.

Ambry Genetics
Classification: Uncertain significance for Inborn genetic diseases. Last evaluated: 2021-10-05. Review status: criteria provided, single submitter. Criteria: Ambry Variant Classification Scheme 2023. Collection method: clinical testing. Allele origin: germline.

NM_024312.5(GNPTAB):c.1219G>A (p.Asp407Asn)

Gene: GNPTAB (N-acetylglucosamine-1-phosphate transferase subunits alpha and beta; minus strand). Cytogenetic location: 12q23.2.
Variant type: single nucleotide variant.
Coding change: c.1219G>A on transcript NM_024312.5 (MANE Select); coding-DNA position 1219, G replaced by A.
Protein change: p.Asp407Asn; replaces aspartic acid 407 with asparagine.
Molecular consequence: missense variant.
Genome position (GRCh38, 1-based): chr12:101,770,086, C>T on the plus strand (G>A on the coding strand, the complement: GNPTAB is on the minus strand). VCF-style: chr12-101770086-C-T. GRCh37 (hg19) VCF-style: chr12-102163864-C-T.
Other names: c.1219G>A (NM_024312.4); short protein forms D407N.
Identifiers: ClinVar variation 1370319 (VCV001370319.5), dbSNP rs776478014, ClinGen allele CA6746681.